The following is an entry in ClinVar:

NM_006767.4(LZTR1):c.2123T>A (p.Ile708Asn)

Gene: LZTR1 (leucine zipper like post translational regulator 1; plus strand). Cytogenetic location: 22q11.21.
Variant type: single nucleotide variant.
Coding change: c.2123T>A on transcript NM_006767.4 (MANE Select); coding-DNA position 2123, T replaced by A.
Protein change: p.Ile708Asn; replaces isoleucine 708 with asparagine.
Molecular consequence: missense variant.
Genome position (GRCh38, 1-based): chr22:20,996,016, T>A. VCF-style: chr22-20996016-T-A. GRCh37 (hg19) VCF-style: chr22-21350305-T-A.
Other names: short protein forms I708N.
Identifiers: ClinVar variation 1722194 (VCV001722194.5), dbSNP rs2518624532, ClinGen allele CA410779428.

ClinVar aggregate classification (germline): Uncertain significance (1 of 4 stars; one submission).

Submission:

Labcorp Genetics (formerly Invitae), Labcorp
Classification: Uncertain significance. Last evaluated: 2022-10-26. Review status: criteria provided, single submitter. Criteria: Invitae Variant Classification Sherloc (09022015). Collection method: clinical testing. Allele origin: germline.
Comment: In summary, the available evidence is currently insufficient to determine the role of this variant in disease. Therefore, it has been classified as a Variant of Uncertain Significance. Advanced modeling of protein sequence and biophysical properties (such as structural, functional, and spatial information, amino acid conservation, physicochemical variation, residue mobility, and thermodynamic stability) performed at Invitae indicates that this missense variant is not expected to disrupt LZTR1 protein function. This variant has not been reported in the literature in individuals affected with LZTR1-related conditions. This variant is not present in population databases (gnomAD no frequency). This sequence change replaces isoleucine, which is neutral and non-polar, with asparagine, which is neutral and polar, at codon 708 of the LZTR1 protein (p.Ile708Asn).